The following is an entry in ClinVar:

NM_015100.4(POGZ):c.2567C>G (p.Ser856Ter)

Gene: POGZ (pogo transposable element derived with ZNF domain; minus strand). Cytogenetic location: 1q21.3.
Variant type: single nucleotide variant.
Coding change: c.2567C>G on transcript NM_015100.4 (MANE Select); coding-DNA position 2567, C replaced by G.
Protein change: p.Ser856Ter; replaces serine 856 with a stop codon.
Molecular consequence: nonsense.
Genome position (GRCh38, 1-based): chr1:151,406,610, G>C on the plus strand (C>G on the coding strand, the complement: POGZ is on the minus strand). VCF-style: chr1-151406610-G-C. GRCh37 (hg19) VCF-style: chr1-151379086-G-C.
Other names: c.2540C>G, p.Ser847Ter (NM_001194937.2); c.2381C>G, p.Ser794Ter (NM_001194938.2); c.2282C>G, p.Ser761Ter (NM_145796.4); c.2408C>G, p.Ser803Ter (NM_207171.2); short protein forms S856*, S847*, S761*, S794*, S803*.
Identifiers: ClinVar variation 489073 (VCV000489073.4), dbSNP rs1553213240, ClinGen allele CA341952371.
Genomic context (GRCh38, chr1:151,406,610, plus strand): 5'-TAACAGAGTAAACACACTGCAAACCAGAAATTAAATTGTGAGGTGAGTTTTTGTTACCTT[G>C]AGTGAGCTATCCAAGTGAGTCCTATGGAAAATGAAACAACAAAAATAGTTAGCTCAGTGA-3'

ClinVar aggregate classification (germline): Pathogenic (1 of 4 stars; one submission).

Submission:

GeneDx
Classification: Pathogenic. Last evaluated: 2022-06-08. Review status: criteria provided, single submitter. Criteria: GeneDx Variant Classification Process June 2021. Collection method: clinical testing. Allele origin: germline. Affected: yes.
Comment: Nonsense variant in the C-terminus predicted to result in protein truncation, as the last 555 amino acids are lost, and other loss-of-function variants have been reported downstream in HGMD; Not observed at significant frequency in large population cohorts (gnomAD); Has not been previously published as pathogenic or benign to our knowledge